The following is an entry in ClinVar:

NM_004370.6(COL12A1):c.5759G>A (p.Gly1920Asp)

Gene: COL12A1 (collagen type XII alpha 1 chain; minus strand). Cytogenetic location: 6q13.
Variant type: single nucleotide variant.
Coding change: c.5759G>A on transcript NM_004370.6 (MANE Select); coding-DNA position 5759, G replaced by A.
Protein change: p.Gly1920Asp; replaces glycine 1920 with aspartic acid.
Molecular consequence: missense variant.
Genome position (GRCh38, 1-based): chr6:75,133,328, C>T on the plus strand (G>A on the coding strand, the complement: COL12A1 is on the minus strand). VCF-style: chr6-75133328-C-T. GRCh37 (hg19) VCF-style: chr6-75843044-C-T.
Other names: c.5759G>A, p.Gly1920Asp (NM_001424113.1); c.5738G>A, p.Gly1913Asp (NM_001424114.1); c.5486G>A, p.Gly1829Asp (NM_001424115.1); c.2267G>A, p.Gly756Asp (NM_001424116.1, NM_080645.3); short protein forms G1829D, G1913D, G1920D, G756D.
Identifiers: ClinVar variation 2579886 (VCV002579886.2), dbSNP rs1164459698, ClinGen allele CA364733940.

ClinVar aggregate classification (germline): Uncertain significance. Review status: criteria provided, multiple submitters, no conflicts (2 of 4 stars). 2 submissions from 2 submitters: Uncertain significance (2). Last evaluated 2025-12-03.

Allele frequency attached by ClinVar (database versions not stated): TOPMed below 0.00001; gnomAD 0.00001; gnomAD exomes 0.00001.

Submissions (2):

Women's Health and Genetics/Laboratory Corporation of America, LabCorp
Classification: Uncertain significance. Last evaluated: 2025-12-03. Review status: criteria provided, single submitter. Criteria: LabCorp Variant Classification Summary - May 2015. Collection method: clinical testing. Allele origin: germline.
Comment: Variant summary: COL12A1 c.5759G>A (p.Gly1920Asp) results in a non-conservative amino acid change in the encoded protein sequence. Algorithms developed to predict the effect of missense changes on protein structure and function are either unavailable or do not agree on the potential impact of this missense change. The variant was absent in 245450 control chromosomes. The available data on variant occurrences in the general population are insufficient to allow any conclusion about variant significance. To our knowledge, no occurrence of c.5759G>A in individuals affected with COL12A1-related conditions and no experimental evidence demonstrating its impact on protein function have been reported. ClinVar contains an entry for this variant (Variation ID: 2579886). Based on the evidence outlined above, the variant was classified as uncertain significance.

GeneDx
Classification: Uncertain significance. Last evaluated: 2023-03-14. Review status: criteria provided, single submitter. Criteria: GeneDx Variant Classification Process June 2021. Collection method: clinical testing. Allele origin: germline. Affected: yes.
Comment: Not observed at significant frequency in large population cohorts (gnomAD); In silico analysis supports that this missense variant has a deleterious effect on protein structure/function; Has not been previously published as pathogenic or benign to our knowledge

Literature cited by the submitters: PubMed 29535388 (cited by Women's Health and Genetics/Laboratory Corporation of America, LabCorp).